The following is an entry in ClinVar:

ClinVar aggregate classification (germline): Uncertain significance. Review status: criteria provided, multiple submitters, no conflicts (2 of 4 stars). 4 submissions from 4 submitters: Uncertain significance (3). 1 of the submissions does not count toward it. Last evaluated 2025-09-30.

Conditions:
Epidermolysis bullosa simplex 5B, with muscular dystrophy (EBS5B). Also called: EPIDERMOLYSIS BULLOSA SIMPLEX AND LIMB-GIRDLE MUSCULAR DYSTROPHY; Epidermolysis bullosa simplex with muscular dystrophy. Identifiers: Orphanet 257, MedGen C2931072, MONDO:0009181, OMIM 226670.
Epidermolysis bullosa simplex 5C, with pyloric atresia (EBS5C). Also called: PLEC1-Related Epidermolysis Bullosa with Pyloric Atresia; PLEC-Related Epidermolysis Bullosa with Pyloric Atresia; Epidermolysis bullosa simplex with pyloric atresia. Identifiers: Orphanet 158684, MedGen C2677349, MONDO:0012807, OMIM 612138.
Autosomal recessive limb-girdle muscular dystrophy type 2Q (LGMDR17). Also called: MUSCULAR DYSTROPHY, LIMB-GIRDLE, AUTOSOMAL RECESSIVE 17. Identifiers: Orphanet 254361, MedGen C3150989, MONDO:0013390, OMIM 613723.
Epidermolysis bullosa simplex, Ogna type (EBS5A). Also called: Pidermolysis bullosa simplex 5A, Ogna type; EPIDERMOLYSIS BULLOSA SIMPLEX 5A, OGNA TYPE. Identifiers: Orphanet 79401, MedGen C0432317, MONDO:0007555, OMIM 131950.
Epidermolysis bullosa simplex with nail dystrophy (EBS5D). Identifiers: MedGen C4225309, MONDO:0014661, OMIM 616487.
PLEC-related disorder. Also called: PLEC-related disorders; PLEC-related condition.
Inborn genetic diseases. Identifiers: MedGen C0950123, MeSH D030342.

Allele frequency attached by ClinVar (database versions not stated): TOPMed 0.00004; gnomAD 0.00006 and 0.00007; ExAC 0.00009; ESP Exome Variant Server 0.00009; gnomAD exomes 0.00009; 1000 Genomes Project 30x 0.00047.
gnomAD v4.1: 122 of 1,583,596 alleles (0.0077%); highest among the groups gnomAD compares: Admixed American, 0.019%; no homozygotes.

Submissions (4):

Labcorp Genetics (formerly Invitae), Labcorp
Classification: Uncertain significance for Autosomal recessive limb-girdle muscular dystrophy type 2Q; Epidermolysis bullosa simplex, Ogna type; Epidermolysis bullosa simplex with nail dystrophy; Epidermolysis bullosa simplex 5C, with pyloric atresia; Epidermolysis bullosa simplex 5B, with muscular dystrophy. Last evaluated: 2025-09-30. Review status: criteria provided, single submitter. Criteria: Invitae Variant Classification Sherloc (09022015). Collection method: clinical testing. Allele origin: germline.
Comment: This sequence change replaces arginine, which is basic and polar, with cysteine, which is neutral and slightly polar, at codon 2011 of the PLEC protein (p.Arg2011Cys). This variant is present in population databases (rs376591955, gnomAD 0.02%). This variant has not been reported in the literature in individuals affected with PLEC-related conditions. ClinVar contains an entry for this variant (Variation ID: 1058945). Experimental studies and prediction algorithms are not available or were not evaluated, and the functional significance of this variant is currently unknown. In summary, the available evidence is currently insufficient to determine the role of this variant in disease. Therefore, it has been classified as a Variant of Uncertain Significance.

Revvity Omics, Revvity
Classification: Uncertain significance. Last evaluated: 2025-06-17. Review status: criteria provided, single submitter. Criteria: ACMG Guidelines, 2015. Collection method: clinical testing. Allele origin: germline.

Ambry Genetics
Classification: Uncertain significance for Inborn genetic diseases. Last evaluated: 2021-10-06. Review status: criteria provided, single submitter. Criteria: Ambry Variant Classification Scheme 2023. Collection method: clinical testing. Allele origin: germline.

PreventionGenetics, part of Exact Sciences
Classification: Uncertain significance for PLEC-related condition. Last evaluated: 2024-05-16. Review status: no assertion criteria provided. Collection method: clinical testing. Allele origin: germline. Not counted in ClinVar's aggregate classification.
Comment: The PLEC c.6031C>T variant is predicted to result in the amino acid substitution p.Arg2011Cys. To our knowledge, this variant has not been reported in the literature. This variant is reported in 0.028% of alleles in individuals of Latino descent in gnomAD. At this time, the clinical significance of this variant is uncertain due to the absence of conclusive functional and genetic evidence.

NM_201384.3(PLEC):c.5950C>T (p.Arg1984Cys)

Gene: PLEC (plectin; minus strand). Cytogenetic location: 8q24.3.
Variant type: single nucleotide variant.
Coding change: c.5950C>T on transcript NM_201384.3 (MANE Select); coding-DNA position 5950, C replaced by T.
Protein change: p.Arg1984Cys; replaces arginine 1984 with cysteine.
Molecular consequence: missense variant.
Genome position (GRCh38, 1-based): chr8:143,923,979, G>A on the plus strand (C>T on the coding strand, the complement: PLEC is on the minus strand). VCF-style: chr8-143923979-G-A. GRCh37 (hg19) VCF-style: chr8-144998147-G-A.
Other names: c.6031C>T, p.Arg2011Cys (NM_000445.5); c.5908C>T, p.Arg1970Cys (NM_201378.4); c.5884C>T, p.Arg1962Cys (NM_201379.3); c.6361C>T, p.Arg2121Cys (NM_201380.4); c.5854C>T, p.Arg1952Cys (NM_201381.3); c.5950C>T, p.Arg1984Cys (NM_201382.4); c.5962C>T, p.Arg1988Cys (NM_201383.3); c.6031C>T (NM_000445.3, NM_000445.4); short protein forms R1952C, R1962C, R1970C, R1984C, R1988C, R2011C, R2121C.
Identifiers: ClinVar variation 1058945 (VCV001058945.12), dbSNP rs376591955, ClinGen allele CA4926170.